The following is an entry in ClinVar:

ClinVar aggregate classification (germline): Uncertain significance. Review status: criteria provided, multiple submitters, no conflicts (2 of 4 stars). 2 submissions from 2 submitters: Uncertain significance (2). Last evaluated 2025-08-07.

Allele frequency attached by ClinVar (database versions not stated): gnomAD 0.00001; TOPMed 0.00001.
gnomAD v4.1: 2 of 1,613,368 alleles (0.00012%); highest among the groups gnomAD compares: African/African-American, 0.0027%; no homozygotes.

Submissions (2):

Ambry Genetics
Classification: Uncertain significance. Last evaluated: 2025-08-07. Review status: criteria provided, single submitter. Criteria: Ambry Variant Classification Scheme 2023. Collection method: clinical testing. Allele origin: germline.

Labcorp Genetics (formerly Invitae), Labcorp
Classification: Uncertain significance. Last evaluated: 2025-05-29. Review status: criteria provided, single submitter. Criteria: Invitae Variant Classification Sherloc (09022015). Collection method: clinical testing. Allele origin: germline.
Comment: This sequence change replaces threonine, which is neutral and polar, with alanine, which is neutral and non-polar, at codon 1647 of the HMCN1 protein (p.Thr1647Ala). This variant is not present in population databases (gnomAD no frequency). This variant has not been reported in the literature in individuals affected with HMCN1-related conditions. ClinVar contains an entry for this variant (Variation ID: 1990818). An algorithm developed to predict the effect of missense changes on protein structure and function outputs the following: PolyPhen-2: "Benign". The alanine amino acid residue is found in multiple mammalian species, which suggests that this missense change does not adversely affect protein function. In summary, the available evidence is currently insufficient to determine the role of this variant in disease. Therefore, it has been classified as a Variant of Uncertain Significance.

NM_031935.3(HMCN1):c.4939A>G (p.Thr1647Ala)

Gene: HMCN1 (hemicentin 1; plus strand). Cytogenetic location: 1q31.1.
Variant type: single nucleotide variant.
Coding change: c.4939A>G on transcript NM_031935.3 (MANE Select); coding-DNA position 4939, A replaced by G.
Protein change: p.Thr1647Ala; replaces threonine 1647 with alanine.
Molecular consequence: missense variant.
Genome position (GRCh38, 1-based): chr1:186,015,987, A>G. VCF-style: chr1-186015987-A-G. GRCh37 (hg19) VCF-style: chr1-185985119-A-G.
Other names: c.4939A>G (NM_031935.2); short protein forms T1647A.
Identifiers: ClinVar variation 1990818 (VCV001990818.5), dbSNP rs1477747268, ClinGen allele CA343887525.